The following is an entry in ClinVar:

NM_001040108.2(MLH3):c.1390T>A (p.Ser464Thr)

Gene: MLH3 (mutL homolog 3; minus strand). Cytogenetic location: 14q24.3.
Variant type: single nucleotide variant.
Coding change: c.1390T>A on transcript NM_001040108.2 (MANE Select); coding-DNA position 1390, T replaced by A.
Protein change: p.Ser464Thr; replaces serine 464 with threonine.
Molecular consequence: missense variant.
Genome position (GRCh38, 1-based): chr14:75,048,266, A>T on the plus strand (T>A on the coding strand, the complement: MLH3 is on the minus strand). VCF-style: chr14-75048266-A-T. GRCh37 (hg19) VCF-style: chr14-75514969-A-T.
Other names: c.1390T>A, p.Ser464Thr (NM_014381.3); short protein forms S464T.
Identifiers: ClinVar variation 5024568 (VCV005024568.1).

ClinVar aggregate classification (germline): Uncertain significance (1 of 4 stars; one submission).

Submission:

Ambry Genetics
Classification: Uncertain significance. Last evaluated: 2026-06-17. Review status: criteria provided, single submitter. Criteria: Ambry Variant Classification Scheme 2023. Collection method: clinical testing. Allele origin: germline.
Comment: The p.S464T variant (also known as c.1390T>A), located in coding exon 1 of the MLH3 gene, results from a T to A substitution at nucleotide position 1390. The serine at codon 464 is replaced by threonine, an amino acid with similar properties. This amino acid position is conserved. In addition, this alteration is predicted to be tolerated by in silico analysis. Based on the available evidence, the clinical significance of this variant remains unclear.